The following is an entry in ClinVar:

NM_001127496.3(SPRY4):c.518C>A (p.Pro173His)

Gene: SPRY4 (sprouty RTK signaling antagonist 4; minus strand). Cytogenetic location: 5q31.3.
Variant type: single nucleotide variant.
Coding change: c.518C>A on transcript NM_001127496.3 (MANE Select); coding-DNA position 518, C replaced by A.
Protein change: p.Pro173His; replaces proline 173 with histidine.
Molecular consequence: missense variant.
Genome position (GRCh38, 1-based): chr5:142,314,591, G>T on the plus strand (C>A on the coding strand, the complement: SPRY4 is on the minus strand). VCF-style: chr5-142314591-G-T. GRCh37 (hg19) VCF-style: chr5-141694156-G-T.
Other names: c.518C>A, p.Pro173His (NM_001293289.3, NM_001293290.3); c.587C>A, p.Pro196His (NM_030964.5); short protein forms P196H, P173H.
Identifiers: ClinVar variation 2174580 (VCV002174580.4), dbSNP rs182325644, ClinGen allele CA3485529.

ClinVar aggregate classification (germline): Uncertain significance (1 of 4 stars; one submission).

Allele frequency attached by ClinVar (database versions not stated): gnomAD 0.00002; TOPMed 0.00002; 1000 Genomes Project 30x 0.00031; 1000 Genomes Project 0.00040.
gnomAD v4.1: 5 of 1,614,232 alleles (0.00031%); highest among the groups gnomAD compares: African/African-American, 0.0067%; no homozygotes.

Submission:

Labcorp Genetics (formerly Invitae), Labcorp
Classification: Uncertain significance. Last evaluated: 2022-09-20. Review status: criteria provided, single submitter. Criteria: Invitae Variant Classification Sherloc (09022015). Collection method: clinical testing. Allele origin: germline.
Comment: In summary, the available evidence is currently insufficient to determine the role of this variant in disease. Therefore, it has been classified as a Variant of Uncertain Significance. Algorithms developed to predict the effect of missense changes on protein structure and function (SIFT, PolyPhen-2, Align-GVGD) all suggest that this variant is likely to be disruptive. This variant has not been reported in the literature in individuals affected with SPRY4-related conditions. This variant is present in population databases (rs182325644, gnomAD 0.01%). This sequence change replaces proline, which is neutral and non-polar, with histidine, which is basic and polar, at codon 196 of the SPRY4 protein (p.Pro196His).